The following is an entry in ClinVar:

NM_000350.3(ABCA4):c.6577T>G (p.Phe2193Val)

Gene: ABCA4 (ATP binding cassette subfamily A member 4; minus strand). Cytogenetic location: 1p22.1.
Variant type: single nucleotide variant.
Coding change: c.6577T>G on transcript NM_000350.3 (MANE Select); coding-DNA position 6577, T replaced by G.
Protein change: p.Phe2193Val; replaces phenylalanine 2193 with valine.
Molecular consequence: missense variant.
Genome position (GRCh38, 1-based): chr1:93,998,013, A>C on the plus strand (T>G on the coding strand, the complement: ABCA4 is on the minus strand). VCF-style: chr1-93998013-A-C. GRCh37 (hg19) VCF-style: chr1-94463569-A-C.
Other names: c.6355T>G, p.Phe2119Val (NM_001425324.1); short protein forms F2193V, F2119V.
Identifiers: ClinVar variation 1394527 (VCV001394527.6), dbSNP rs1659057871, ClinGen allele CA341276541.

ClinVar aggregate classification (germline): Uncertain significance (1 of 4 stars; one submission).

Allele frequency attached by ClinVar (database versions not stated): gnomAD exomes below 0.00001; gnomAD 0.00001.
gnomAD v4.1: 2 of 1,614,062 alleles (0.00012%); highest among the groups gnomAD compares: African/African-American, 0.0013%; no homozygotes.

Submission:

Labcorp Genetics (formerly Invitae), Labcorp
Classification: Uncertain significance. Last evaluated: 2021-11-22. Review status: criteria provided, single submitter. Criteria: Invitae Variant Classification Sherloc (09022015). Collection method: clinical testing. Allele origin: germline.
Comment: This variant is not present in population databases (gnomAD no frequency). This sequence change replaces phenylalanine, which is neutral and non-polar, with valine, which is neutral and non-polar, at codon 2193 of the ABCA4 protein (p.Phe2193Val). This variant has not been reported in the literature in individuals affected with ABCA4-related conditions. In summary, the available evidence is currently insufficient to determine the role of this variant in disease. Therefore, it has been classified as a Variant of Uncertain Significance. Advanced modeling of protein sequence and biophysical properties (such as structural, functional, and spatial information, amino acid conservation, physicochemical variation, residue mobility, and thermodynamic stability) performed at Invitae indicates that this missense variant is expected to disrupt ABCA4 protein function.